The following is an entry in ClinVar:

NM_001044385.3(TMEM237):c.1091T>C (p.Val364Ala)

Gene: TMEM237 (transmembrane protein 237; minus strand). Cytogenetic location: 2q33.1.
Variant type: single nucleotide variant.
Coding change: c.1091T>C on transcript NM_001044385.3 (MANE Select); coding-DNA position 1091, T replaced by C.
Protein change: p.Val364Ala; replaces valine 364 with alanine.
Molecular consequence: missense variant.
Genome position (GRCh38, 1-based): chr2:201,626,094, A>G on the plus strand (T>C on the coding strand, the complement: TMEM237 is on the minus strand). VCF-style: chr2-201626094-A-G. GRCh37 (hg19) VCF-style: chr2-202490817-A-G.
Other names: c.1067T>C, p.Val356Ala (NM_152388.4); short protein forms V356A, V364A.
Identifiers: ClinVar variation 1017287 (VCV001017287.8), dbSNP rs1957756375, ClinGen allele CA350304546.

ClinVar aggregate classification (germline): Uncertain significance (1 of 4 stars; one submission).

Conditions:
Joubert syndrome 14 (JBTS14). Identifiers: MedGen C3280766, MONDO:0013745, OMIM 614424.

Submission:

Labcorp Genetics (formerly Invitae), Labcorp
Classification: Uncertain significance for Joubert syndrome 14. Last evaluated: 2022-02-23. Review status: criteria provided, single submitter. Criteria: Invitae Variant Classification Sherloc (09022015). Collection method: clinical testing. Allele origin: germline.
Comment: In summary, the available evidence is currently insufficient to determine the role of this variant in disease. Therefore, it has been classified as a Variant of Uncertain Significance. Algorithms developed to predict the effect of missense changes on protein structure and function are either unavailable or do not agree on the potential impact of this missense change (SIFT: "Deleterious"; PolyPhen-2: "Benign"; Align-GVGD: "Class C55"). ClinVar contains an entry for this variant (Variation ID: 1017287). This variant has not been reported in the literature in individuals affected with TMEM237-related conditions. This variant is not present in population databases (gnomAD no frequency). This sequence change replaces valine, which is neutral and non-polar, with alanine, which is neutral and non-polar, at codon 364 of the TMEM237 protein (p.Val364Ala).